The following is an entry in ClinVar:

NM_001927.4(DES):c.61G>A (p.Ala21Thr)

Gene: DES (desmin; plus strand). Cytogenetic location: 2q35.
Variant type: single nucleotide variant.
Coding change: c.61G>A on transcript NM_001927.4 (MANE Select); coding-DNA position 61, G replaced by A.
Protein change: p.Ala21Thr; replaces alanine 21 with threonine.
Molecular consequence: missense variant.
Genome position (GRCh38, 1-based): chr2:219,418,523, G>A. VCF-style: chr2-219418523-G-A. GRCh37 (hg19) VCF-style: chr2-220283245-G-A.
Other names: c.61G>A, p.Ala21Thr (NM_001382708.1, NM_001382709.1, NM_001382710.1 and 3 more transcripts); short protein forms A21T.
Identifiers: ClinVar variation 2440744 (VCV002440744.6), dbSNP rs749447320, ClinGen allele CA2125009.

ClinVar aggregate classification (germline): Uncertain significance. Review status: criteria provided, multiple submitters, no conflicts (2 of 4 stars). 3 submissions from 3 submitters: Uncertain significance (3). Last evaluated 2026-03-22.

Conditions:
Desmin-related myofibrillar myopathy (MFM1). Also called: MYOFIBRILLAR MYOPATHY WITH ARRHYTHMOGENIC RIGHT VENTRICULAR CARDIOMYOPATHY; DESMIN-RELATED MYOPATHY WITH ARRHYTHMOGENIC RIGHT VENTRICULAR CARDIOMYOPATHY; Myofibrillar myopathy 1; Desminopathy; Desmin related myopathy (former name); Desmin storage myopathy (former name). Identifiers: Orphanet 363543, Orphanet 98909, MedGen C1832370, MONDO:0011076, OMIM 601419.

Allele frequency attached by ClinVar (database versions not stated): gnomAD exomes below 0.00001; ExAC 0.00001; gnomAD 0.00001.
gnomAD v4.1: 7 of 1,603,650 alleles (0.00044%); highest among the groups gnomAD compares: South Asian, 0.0066%; no homozygotes.

Submissions (3):

GeneDx
Classification: Uncertain significance. Last evaluated: 2026-03-22. Review status: criteria provided, single submitter. Criteria: GeneDx Variant Classification Process June 2021. Collection method: clinical testing. Allele origin: germline.
Comment: Not observed at significant frequency in large population cohorts (gnomAD); In silico analysis suggests that this missense variant does not alter protein structure/function; Has not been previously published as pathogenic or benign to our knowledge; This variant is associated with the following publications: (PMID: 26807690)

Labcorp Genetics (formerly Invitae), Labcorp
Classification: Uncertain significance for Desmin-related myofibrillar myopathy. Last evaluated: 2023-03-29. Review status: criteria provided, single submitter. Criteria: Invitae Variant Classification Sherloc (09022015). Collection method: clinical testing. Allele origin: germline.
Comment: This sequence change replaces alanine, which is neutral and non-polar, with threonine, which is neutral and polar, at codon 21 of the DES protein (p.Ala21Thr). The frequency data for this variant in the population databases is considered unreliable, as metrics indicate poor data quality at this position in the gnomAD database. In summary, the available evidence is currently insufficient to determine the role of this variant in disease. Therefore, it has been classified as a Variant of Uncertain Significance. Advanced modeling of protein sequence and biophysical properties (such as structural, functional, and spatial information, amino acid conservation, physicochemical variation, residue mobility, and thermodynamic stability) has been performed at Invitae for this missense variant, however the output from this modeling did not meet the statistical confidence thresholds required to predict the impact of this variant on DES protein function. ClinVar contains an entry for this variant (Variation ID: 2440744). This variant has not been reported in the literature in individuals affected with DES-related conditions.

Revvity Omics, Revvity
Classification: Uncertain significance. Last evaluated: 2021-04-28. Review status: criteria provided, single submitter. Criteria: ACMG Guidelines, 2015. Collection method: clinical testing. Allele origin: germline.